The following is an entry in ClinVar:

ClinVar aggregate classification (germline): Pathogenic (1 of 4 stars; one submission).

Allele frequency attached by ClinVar (database versions not stated): gnomAD exomes 0.00001.
gnomAD v4.1: 8 of 1,613,884 alleles (0.0005%); highest among the groups gnomAD compares: Non-Finnish European, 0.00051%; no homozygotes.

Submission:

Labcorp Genetics (formerly Invitae), Labcorp
Classification: Pathogenic. Last evaluated: 2022-06-13. Review status: criteria provided, single submitter. Criteria: Invitae Variant Classification Sherloc (09022015). Collection method: clinical testing. Allele origin: germline.
Comment: This sequence change creates a premature translational stop signal (p.Arg714*) in the DDR2 gene. It is expected to result in an absent or disrupted protein product. Loss-of-function variants in DDR2 are known to be pathogenic (PMID: 11375938, 29884795). This variant is not present in population databases (gnomAD no frequency). This variant has not been reported in the literature in individuals affected with DDR2-related conditions. For these reasons, this variant has been classified as Pathogenic.

Literature cited by the submitters: PubMed 11375938; PubMed 29884795.

NM_006182.4(DDR2):c.2140C>T (p.Arg714Ter)

Gene: DDR2 (discoidin domain receptor tyrosine kinase 2; plus strand). Cytogenetic location: 1q23.3.
Variant type: single nucleotide variant.
Coding change: c.2140C>T on transcript NM_006182.4 (MANE Select); coding-DNA position 2140, C replaced by T.
Protein change: p.Arg714Ter; replaces arginine 714 with a stop codon.
Molecular consequence: nonsense.
Genome position (GRCh38, 1-based): chr1:162,776,227, C>T. VCF-style: chr1-162776227-C-T. GRCh37 (hg19) VCF-style: chr1-162746017-C-T.
Other names: c.2140C>T, p.Arg714Ter (NM_001014796.3, NM_001354982.2, NM_001354983.2); short protein forms R714*.
Identifiers: ClinVar variation 1459807 (VCV001459807.6), dbSNP rs2102198946, ClinGen allele CA343415513.